The following is an entry in ClinVar:

NM_000890.5(KCNJ5):c.518T>G (p.Ile173Ser)

Gene: KCNJ5 (potassium inwardly rectifying channel subfamily J member 5; plus strand). Cytogenetic location: 11q24.3.
Variant type: single nucleotide variant.
Coding change: c.518T>G on transcript NM_000890.5 (MANE Select); coding-DNA position 518, T replaced by G.
Protein change: p.Ile173Ser; replaces isoleucine 173 with serine.
Molecular consequence: missense variant.
Genome position (GRCh38, 1-based): chr11:128,911,791, T>G. VCF-style: chr11-128911791-T-G. GRCh37 (hg19) VCF-style: chr11-128781686-T-G.
Other names: c.518T>G, p.Ile173Ser (NM_001354169.2); c.518T>G (LRG_333t1); short protein forms I173S.
Identifiers: ClinVar variation 450793 (VCV000450793.2), dbSNP rs1371805585, ClinGen allele CA383248778.

ClinVar aggregate classification (germline): Uncertain significance (1 of 4 stars; one submission).

Allele frequency attached by ClinVar (database versions not stated): TOPMed 0.00001; gnomAD 0.00001.
gnomAD v4.1: 1 of 1,614,096 alleles (0.000062%); highest among the groups gnomAD compares: Admixed American, 0.0017%; no homozygotes.

Submission:

GeneDx
Classification: Uncertain significance. Last evaluated: 2017-07-26. Review status: criteria provided, single submitter. Criteria: GeneDx Variant Classification (06012015). Collection method: clinical testing. Allele origin: germline. Affected: yes.
Comment: The I173S variant in the KCNJ5 gene has not been reported previously as a pathogenic variant, nor as a benign variant, to our knowledge. This variant is not observed in large population cohorts (Lek et al., 2016; 1000 Genomes Consortium et al., 2015; Exome Variant Server). The I173S variant is a non-conservative amino acid substitution, which is likely to impact secondary protein structure as these residues differ in polarity, charge, size and/or other properties. This substitution occurs at a position that is conserved across species. In silico analysis predicts this variant is probably damaging to the protein structure/function. We interpret I173S as a variant of uncertain significance.